The following is an entry in ClinVar:

NM_001110556.2(FLNA):c.7209C>T (p.Asp2403=)

Gene: FLNA (filamin A; minus strand). Cytogenetic location: Xq28.
Variant type: single nucleotide variant.
Coding change: c.7209C>T on transcript NM_001110556.2 (MANE Select); coding-DNA position 7209, C replaced by T.
Protein change: p.Asp2403=; no amino-acid change (aspartic acid 2403 retained).
Molecular consequence: synonymous variant.
Genome position (GRCh38, 1-based): chrX:154,350,155, G>A on the plus strand (C>T on the coding strand, the complement: FLNA is on the minus strand). VCF-style: chrX-154350155-G-A. GRCh37 (hg19) VCF-style: chrX-153578523-G-A.
Other names: p.Asp2395=; c.7185C>T, p.Asp2395= (NM_001456.4).
Identifiers: ClinVar variation 1337295 (VCV001337295.12), dbSNP rs781906091, ClinGen allele CA10559934.
Genomic context (GRCh38, chrX:154,350,155, plus strand): 5'-AGGCTCCCCAACTCGGATCTTGAAGGGGCTTCCAGGGATGTGGGTGCCGTTGAACTTGAC[G>A]TCAATCAGGTAAACGCCATTCTCCCGAGGGATGAAGCGCACAGCATACTTATCTGAGGAG-3'
Protein context (NP_001104026.1, residues 2393-2413): IPRENGVYLI[Asp2403=]VKFNGTHIPG

ClinVar aggregate classification (germline): Likely benign. Review status: criteria provided, multiple submitters, no conflicts (2 of 4 stars). 5 submissions from 5 submitters: Likely benign (5). Last evaluated 2025-07-06.

Conditions:
Frontometaphyseal dysplasia (FMD1). Identifiers: Orphanet 1826, MedGen C0265293, MONDO:0015942.
Oto-palato-digital syndrome, type II (OPD2). Also called: FACIOPALATOOSSEOUS SYNDROME; OPD II SYNDROME; Otopalatodigital Syndrome, Type II; Otopalatodigital Syndrome Type 2 (FLNA-OPD2). Identifiers: Orphanet 669, Orphanet 90652, MedGen C1844696, MONDO:0010571, OMIM 304120.
Heterotopia, periventricular, X-linked dominant (PVNH1). Also called: PERIVENTRICULAR NODULAR HETEROTOPIA 4; HETEROTOPIA, PERIVENTRICULAR, 1; PERIVENTRICULAR NODULAR HETEROTOPIA 1; X-linked periventricular heterotopia. Identifiers: Orphanet 2149, Orphanet 82004, MedGen C1848213, MONDO:0010233, OMIM 300049.
Melnick-Needles syndrome (MNS). Also called: MELNICK-NEEDLES OSTEODYSPLASTY; OSTEODYSPLASTY OF MELNICK AND NEEDLES; Melnick-Needles Syndrome (FLNA-MNS). Identifiers: Orphanet 2484, MedGen C0025237, MONDO:0010650, OMIM 309350.
Familial thoracic aortic aneurysm and aortic dissection (TAAD). Also called: Thoracic aortic aneurysms and dissections. Identifiers: Orphanet 91387, MedGen C4707243, MONDO:0019625.

Allele frequency attached by ClinVar (database versions not stated): gnomAD 0.00002; gnomAD exomes 0.00004; ExAC 0.00005.

Submissions (5):

Labcorp Genetics (formerly Invitae), Labcorp
Classification: Likely benign for Oto-palato-digital syndrome, type II; Heterotopia, periventricular, X-linked dominant; Frontometaphyseal dysplasia; Melnick-Needles syndrome. Last evaluated: 2025-07-06. Review status: criteria provided, single submitter. Criteria: Invitae Variant Classification Sherloc (09022015). Collection method: clinical testing. Allele origin: germline.

Mayo Clinic Laboratories, Mayo Clinic
Classification: Likely benign. Last evaluated: 2025-01-31. Review status: criteria provided, single submitter. Criteria: ACMG Guidelines, 2015. Collection method: clinical testing. Allele origin: germline. Observed: 1 variant allele.
Comment: BS2, BP4, BP7

Blueprint Genetics
Classification: Likely benign. Last evaluated: 2023-09-12. Review status: criteria provided, single submitter. Criteria: ACMG Guidelines, 2015. Collection method: clinical testing. Allele origin: germline.

Ambry Genetics
Classification: Likely benign for Familial thoracic aortic aneurysm and aortic dissection. Last evaluated: 2021-03-26. Review status: criteria provided, single submitter. Criteria: Ambry Variant Classification Scheme 2023. Collection method: clinical testing. Allele origin: germline.

Genetic Services Laboratory, University of Chicago
Classification: Likely benign. Last evaluated: 2019-07-18. Review status: criteria provided, single submitter. Criteria: ACMG Guidelines, 2015. Collection method: clinical testing. Allele origin: germline. Affected: no.